The following is an entry in ClinVar:

ClinVar aggregate classification (germline): Likely pathogenic (1 of 4 stars; one submission).

gnomAD v4.1: 3 of 1,613,336 alleles (0.00019%); highest among the groups gnomAD compares: South Asian, 0.0033%; no homozygotes.

Submission:

CeGaT Center for Human Genetics Tuebingen
Classification: Likely pathogenic. Last evaluated: 2025-12-01. Review status: criteria provided, single submitter. Criteria: CeGaT Center For Human Genetics Tuebingen Variant Classification Criteria Version 2. Collection method: clinical testing. Allele origin: germline. Affected: yes. Observed: 1 variant allele.
Comment: RP1L1: PVS1:Strong, PM2

NM_178857.6(RP1L1):c.1106G>A (p.Trp369Ter)

Gene: RP1L1 (RP1 like 1). Cytogenetic location: 8p23.1.
Variant type: single nucleotide variant.
Coding change: c.1106G>A on transcript NM_178857.6 (MANE Select); coding-DNA position 1106, G replaced by A.
Protein change: p.Trp369Ter; replaces tryptophan 369 with a stop codon.
Molecular consequence: nonsense.
Genome position (GRCh38, 1-based): chr8:10,612,992, C>T on the plus strand (G>A on the coding strand, the complement: RP1L1 is on the minus strand). VCF-style: chr8-10612992-C-T. GRCh37 (hg19) VCF-style: chr8-10470502-C-T.
Other names: short protein forms W369*.
Identifiers: ClinVar variation 4681835 (VCV004681835.5).